The following is an entry in ClinVar:

NM_133497.4(KCNV2):c.10C>G (p.Gln4Glu)

Gene: KCNV2 (potassium voltage-gated channel modifier subfamily V member 2; plus strand). Cytogenetic location: 9p24.2.
Variant type: single nucleotide variant.
Coding change: c.10C>G on transcript NM_133497.4 (MANE Select); coding-DNA position 10, C replaced by G.
Protein change: p.Gln4Glu; replaces glutamine 4 with glutamic acid.
Molecular consequence: missense variant.
Genome position (GRCh38, 1-based): chr9:2,717,749, C>G. VCF-style: chr9-2717749-C-G. GRCh37 (hg19) VCF-style: chr9-2717749-C-G.
Other names: c.10C>G (NM_133497.3); short protein forms Q4E.
Identifiers: ClinVar variation 2185197 (VCV002185197.4), dbSNP rs148953795, ClinGen allele CA4965283.

ClinVar aggregate classification (germline): Uncertain significance. Review status: criteria provided, multiple submitters, no conflicts (2 of 4 stars). 2 submissions from 2 submitters: Uncertain significance (2). Last evaluated 2025-10-24.

Conditions:
Inborn genetic diseases. Identifiers: MedGen C0950123, MeSH D030342.

Allele frequency attached by ClinVar (database versions not stated): ExAC 0.00001; gnomAD 0.00002; 1000 Genomes Project 30x 0.00016; 1000 Genomes Project 0.00020.
gnomAD v4.1: 9 of 1,614,204 alleles (0.00056%); highest among the groups gnomAD compares: African/African-American, 0.008%; no homozygotes.

Submissions (2):

Ambry Genetics
Classification: Uncertain significance for Inborn genetic diseases. Last evaluated: 2025-10-24. Review status: criteria provided, single submitter. Criteria: Ambry Variant Classification Scheme 2023. Collection method: clinical testing. Allele origin: germline.

Labcorp Genetics (formerly Invitae), Labcorp
Classification: Uncertain significance. Last evaluated: 2024-02-24. Review status: criteria provided, single submitter. Criteria: Invitae Variant Classification Sherloc (09022015). Collection method: clinical testing. Allele origin: germline.
Comment: This sequence change replaces glutamine, which is neutral and polar, with glutamic acid, which is acidic and polar, at codon 4 of the KCNV2 protein (p.Gln4Glu). This variant is present in population databases (rs148953795, gnomAD 0.007%). This variant has not been reported in the literature in individuals affected with KCNV2-related conditions. ClinVar contains an entry for this variant (Variation ID: 2185197). Advanced modeling of protein sequence and biophysical properties (such as structural, functional, and spatial information, amino acid conservation, physicochemical variation, residue mobility, and thermodynamic stability) performed at Invitae indicates that this missense variant is not expected to disrupt KCNV2 protein function with a negative predictive value of 95%. In summary, the available evidence is currently insufficient to determine the role of this variant in disease. Therefore, it has been classified as a Variant of Uncertain Significance.